The following is an entry in ClinVar:

ClinVar aggregate classification (germline): Uncertain significance. Review status: criteria provided, multiple submitters, no conflicts (2 of 4 stars). 2 submissions from 2 submitters: Uncertain significance (2). Last evaluated 2026-01-19.

Conditions:
Inborn genetic diseases. Identifiers: MedGen C0950123, MeSH D030342.

Allele frequency attached by ClinVar (database versions not stated): gnomAD 0.00002; ExAC 0.00006; gnomAD exomes 0.00006; TOPMed 0.00011.
gnomAD v4.1: 40 of 1,605,338 alleles (0.0025%); highest among the groups gnomAD compares: Admixed American, 0.056%; no homozygotes.

Submissions (2):

Labcorp Genetics (formerly Invitae), Labcorp
Classification: Uncertain significance. Last evaluated: 2026-01-19. Review status: criteria provided, single submitter. Criteria: Invitae Variant Classification Sherloc (09022015). Collection method: clinical testing. Allele origin: germline.
Comment: This sequence change replaces leucine, which is neutral and non-polar, with valine, which is neutral and non-polar, at codon 9 of the NDUFB8 protein (p.Leu9Val). This variant is present in population databases (rs570235496, gnomAD 0.07%), and has an allele count higher than expected for a pathogenic variant. This variant has not been reported in the literature in individuals affected with NDUFB8-related conditions. ClinVar contains an entry for this variant (Variation ID: 2194345). An algorithm developed to predict the effect of missense changes on protein structure and function (PolyPhen-2) suggests that this variant is likely to be tolerated. In summary, the available evidence is currently insufficient to determine the role of this variant in disease. Therefore, it has been classified as a Variant of Uncertain Significance.

Ambry Genetics
Classification: Uncertain significance for Inborn genetic diseases. Last evaluated: 2025-07-02. Review status: criteria provided, single submitter. Criteria: Ambry Variant Classification Scheme 2023. Collection method: clinical testing. Allele origin: germline.

NM_005004.4(NDUFB8):c.25T>G (p.Leu9Val)

Gene: NDUFB8 (NADH:ubiquinone oxidoreductase subunit B8; minus strand). Cytogenetic location: 10q24.31.
Variant type: single nucleotide variant.
Coding change: c.25T>G on transcript NM_005004.4 (MANE Select); coding-DNA position 25, T replaced by G.
Protein change: p.Leu9Val; replaces leucine 9 with valine.
Molecular consequence: missense variant. On other transcripts: intron variant (1).
Genome position (GRCh38, 1-based): chr10:100,529,827, A>C on the plus strand (T>G on the coding strand, the complement: NDUFB8 is on the minus strand). VCF-style: chr10-100529827-A-C. GRCh37 (hg19) VCF-style: chr10-102289584-A-C.
Other names: c.25T>G, p.Leu9Val (NM_001284367.2); c.-9+31T>G (NM_001284368.1); c.25T>G (NM_005004.2); short protein forms L9V.
Identifiers: ClinVar variation 2194345 (VCV002194345.5), dbSNP rs570235496, ClinGen allele CA5650300.